The following is an entry in ClinVar:

ClinVar aggregate classification (germline): Uncertain significance (1 of 4 stars; one submission).

Conditions:
Hereditary cancer-predisposing syndrome. Also called: Neoplastic Syndromes, Hereditary; Tumor predisposition; Hereditary Cancer Syndrome; Hereditary neoplastic syndrome. Identifiers: Orphanet 140162, MedGen C0027672, MeSH D009386, MONDO:0015356.

Submission:

Ambry Genetics
Classification: Uncertain significance for Hereditary cancer-predisposing syndrome. Last evaluated: 2022-11-14. Review status: criteria provided, single submitter. Criteria: Ambry Variant Classification Scheme 2023. Collection method: clinical testing. Allele origin: germline.
Comment: The p.Q235R variant (also known as c.704A>G), located in coding exon 6 of the PMS2 gene, results from an A to G substitution at nucleotide position 704. The glutamine at codon 235 is replaced by arginine, an amino acid with highly similar properties. This variant was also reported in 1/60,466 breast cancer cases and in 0/53,461 controls (Dorling et al. N Engl J Med. 2021 02;384:428-439). This amino acid position is highly conserved in available vertebrate species. In addition, this alteration is predicted to be deleterious by in silico analysis. Since supporting evidence is limited at this time, the clinical significance of this alteration remains unclear.

Literature cited by the submitters: PubMed 31992580; PubMed 33471991.

NM_000535.7(PMS2):c.704A>G (p.Gln235Arg)

Gene: PMS2 (PMS1 homolog 2, mismatch repair system component; minus strand). Cytogenetic location: 7p22.1.
Variant type: single nucleotide variant.
Coding change: c.704A>G on transcript NM_000535.7 (MANE Select); coding-DNA position 704, A replaced by G.
Protein change: p.Gln235Arg; replaces glutamine 235 with arginine.
Molecular consequence: missense variant. On other transcripts: 5 prime UTR variant (2), non-coding transcript variant (1), intron variant (1).
Genome position (GRCh38, 1-based): chr7:5,999,109, T>C on the plus strand (A>G on the coding strand, the complement: PMS2 is on the minus strand). VCF-style: chr7-5999109-T-C. GRCh37 (hg19) VCF-style: chr7-6038740-T-C.
Other names: c.299A>G, p.Gln100Arg (NM_001018040.1, NM_001322003.2, NM_001322004.2 and 20 more transcripts); c.704A>G, p.Gln235Arg (NM_001322006.2, NM_001322014.2, NM_001406870.1 and 4 more transcripts); c.386A>G, p.Gln129Arg (NM_001322007.2, NM_001322008.2, NM_001406876.1 and 4 more transcripts); c.-230A>G (NM_001322011.2, NM_001322012.2); c.395A>G, p.Gln132Arg (NM_001322015.2, NM_001406875.1, NM_001406877.1 and 6 more transcripts); c.890A>G, p.Gln297Arg (NM_001406866.1); c.728A>G, p.Gln243Arg (NM_001406868.1); c.368A>G, p.Gln123Arg (NM_001406885.1); and 1 more; short protein forms Q123R, Q132R, Q129R, Q297R, Q235R, Q100R, Q243R.
Identifiers: ClinVar variation 1756866 (VCV001756866.3), dbSNP rs2128798976, ClinGen allele CA366743810.